The following is an entry in ClinVar:

NM_181783.4(TMTC3):c.332G>A (p.Cys111Tyr)

Gene: TMTC3 (transmembrane O-mannosyltransferase targeting cadherins 3; plus strand). Cytogenetic location: 12q21.32.
Variant type: single nucleotide variant.
Coding change: c.332G>A on transcript NM_181783.4 (MANE Select); coding-DNA position 332, G replaced by A.
Protein change: p.Cys111Tyr; replaces cysteine 111 with tyrosine.
Molecular consequence: missense variant. On other transcripts: non-coding transcript variant (1), intron variant (2).
Genome position (GRCh38, 1-based): chr12:88,153,433, G>A. VCF-style: chr12-88153433-G-A. GRCh37 (hg19) VCF-style: chr12-88547210-G-A.
Other names: c.152G>A, p.Cys51Tyr (NM_001366574.1); c.65G>A, p.Cys22Tyr (NM_001366580.1); c.190-855G>A (NM_001366579.1); c.-285-855G>A (NM_001366583.1); short protein forms C111Y, C22Y, C51Y.
Identifiers: ClinVar variation 4086128 (VCV004086128.1).
Genomic context (GRCh38, chr12:88,153,433, plus strand): 5'-CATATCATCTCCTGAATATGATTTTTCATGCTGTGGTTAGTGTGATATTTCTCAAAGTAT[G>A]CAAACTTTTTCTGGACAACAAGAGTAGTGTGATTGCTTCTTTACTTTTTGCAGTGCACCC-3'
Protein context (NP_861448.2, residues 101-121): AVVSVIFLKV[Cys111Tyr]KLFLDNKSSV

ClinVar aggregate classification (germline): Uncertain significance (1 of 4 stars; one submission).

Conditions:
Lissencephaly 8 (LIS8). Identifiers: MedGen C4310646, MONDO:0014992, OMIM 617255.

Submission:

Neuberg Centre For Genomic Medicine, NCGM
Classification: Uncertain significance for Lissencephaly 8. Review status: criteria provided, single submitter. Criteria: ACMG Guidelines, 2015. Collection method: clinical testing. Allele origin: germline. Inheritance: Autosomal recessive inheritance. Affected: yes.
Comment: This variant has not been reported previously in literature. For these reasons, this variant has been classified as Uncertain Significance.